The following is an entry in ClinVar:

NM_003482.4(KMT2D):c.10192A>G (p.Met3398Val)

Gene: KMT2D (lysine methyltransferase 2D; minus strand). Cytogenetic location: 12q13.12.
Variant type: single nucleotide variant.
Coding change: c.10192A>G on transcript NM_003482.4 (MANE Select); coding-DNA position 10192, A replaced by G.
Protein change: p.Met3398Val; replaces methionine 3398 with valine.
Molecular consequence: missense variant.
Genome position (GRCh38, 1-based): chr12:49,037,164, T>C on the plus strand (A>G on the coding strand, the complement: KMT2D is on the minus strand). VCF-style: chr12-49037164-T-C. GRCh37 (hg19) VCF-style: chr12-49430947-T-C.
Other names: short protein forms M3398V.
Identifiers: ClinVar variation 94135 (VCV000094135.63), dbSNP rs75937132, ClinGen allele CA147655.

ClinVar aggregate classification (germline): Benign/Likely benign. Review status: criteria provided, multiple submitters, no conflicts (2 of 4 stars). 17 submissions from 17 submitters: Benign (10); Likely benign (4). 3 of the submissions do not count toward it. Last evaluated 2026-09-01.

Conditions:
Kabuki syndrome. Also called: NIIKAWA-KUROKI SYNDROME; Kabuki make-up syndrome. Identifiers: Orphanet 2322, MedGen C0796004, MONDO:0016512.
Kabuki syndrome 1 (KABUK1). Also called: KMT2D-Related Kabuki Syndrome. Identifiers: Orphanet 2322, MedGen CN030661, MONDO:0007843, OMIM 147920.

Allele frequency attached by ClinVar (database versions not stated): 1000 Genomes Project 0.00379; ESP Exome Variant Server 0.00839; TOPMed 0.00741; 1000 Genomes Project 30x 0.00359; gnomAD 0.00847.
gnomAD v4.1: 16,724 of 1,592,154 alleles (1.1%); highest among the groups gnomAD compares: Non-Finnish European, 1.2%; 101 homozygotes.

Submissions (17):

CeGaT Center for Human Genetics Tuebingen
Classification: Likely benign. Last evaluated: 2026-09-01. Review status: criteria provided, single submitter. Criteria: CeGaT Center For Human Genetics Tuebingen Variant Classification Criteria Version 2. Collection method: clinical testing. Allele origin: germline. Affected: yes. Observed: 92 variant alleles.
Comment: KMT2D: BP4

Labcorp Genetics (formerly Invitae), Labcorp
Classification: Benign for Kabuki syndrome. Last evaluated: 2026-02-03. Review status: criteria provided, single submitter. Criteria: Invitae Variant Classification Sherloc (09022015). Collection method: clinical testing. Allele origin: germline.

Athena Diagnostics
Classification: Benign. Last evaluated: 2025-09-30. Review status: criteria provided, single submitter. Criteria: Athena Diagnostics Criteria. Collection method: clinical testing. Allele origin: unknown.
Comment: The frequency of this variant in the general population is higher than would generally be expected for pathogenic variants in this gene.

Mayo Clinic Laboratories, Mayo Clinic
Classification: Benign. Last evaluated: 2025-08-12. Review status: criteria provided, single submitter. Criteria: ACMG Guidelines, 2015. Collection method: clinical testing. Allele origin: germline. Observed: 1 variant allele.
Comment: BS1, BS2

ARUP Laboratories, Molecular Genetics and Genomics, ARUP Laboratories
Classification: Benign. Last evaluated: 2025-05-02. Review status: criteria provided, single submitter. Criteria: ARUP Molecular Germline Variant Investigation Process 2024. Collection method: clinical testing. Allele origin: germline.

Blueprint Genetics
Classification: Likely benign. Last evaluated: 2024-11-26. Review status: criteria provided, single submitter. Criteria: ACMG Guidelines, 2015. Collection method: clinical testing. Allele origin: germline.

Fulgent Genetics
Classification: Benign for Kabuki syndrome 1. Last evaluated: 2022-04-26. Review status: criteria provided, single submitter. Criteria: ACMG Guidelines, 2015. Collection method: clinical testing. Allele origin: unknown.

Mendelics
Classification: Benign for Kabuki syndrome 1. Last evaluated: 2019-05-28. Review status: criteria provided, single submitter. Criteria: Mendelics Assertion Criteria 2017. Collection method: clinical testing. Allele origin: unknown.

GeneDx
Classification: Benign. Last evaluated: 2018-08-16. Review status: criteria provided, single submitter. Criteria: GeneDx Variant Classification Process June 2021. Collection method: clinical testing. Allele origin: germline. Affected: yes.
Comment: This variant is associated with the following publications: (PMID: 30459467, 30107592, 24728327, 24633898)

Genome Diagnostics Laboratory, University Medical Center Utrecht
Classification: Likely benign for Kabuki syndrome 1. Last evaluated: 2015-12-16. Review status: criteria provided, single submitter. Criteria: ACGS Guidelines, 2013. Collection method: clinical testing. Allele origin: germline. Affected: yes. Study: VKGL Data-share Consensus.

Eurofins Ntd Llc (ga)
Classification: Benign. Last evaluated: 2014-04-17. Review status: criteria provided, single submitter. Criteria: EGL Classification Definitions 2015. Collection method: clinical testing. Allele origin: germline. Observed: 4 variant alleles, 4 heterozygotes.

Genetic Services Laboratory, University of Chicago
Classification: Benign. Last evaluated: 2013-06-04. Review status: criteria provided, single submitter. Criteria: ACMG Guidelines, 2007. Collection method: clinical testing. Allele origin: germline. Inheritance: Autosomal dominant inheritance.

Breakthrough Genomics
Classification: Likely benign. Review status: criteria provided, single submitter. Criteria: ACMG Guidelines, 2015. Collection method: not provided. Allele origin: germline. Inheritance: Autosomal dominant inheritance. Affected: yes.

PreventionGenetics, part of Exact Sciences
Classification: Benign. Review status: criteria provided, single submitter. Criteria: ACMG Guidelines, 2015. Collection method: clinical testing. Allele origin: germline.

ITMI
No classification provided. Condition: AllHighlyPenetrant. Last evaluated: 2013-09-19. Review status: no classification provided. Collection method: reference population. Allele origin: germline. Not counted in ClinVar's aggregate classification.
Comment: Please see associated publication for description of ethnicities

Diagnostic Laboratory, Department of Genetics, University Medical Center Groningen
Classification: Benign for Kabuki syndrome 1. Review status: no assertion criteria provided. Collection method: clinical testing. Allele origin: germline. Affected: yes. Study: VKGL Data-share Consensus. Not counted in ClinVar's aggregate classification.

Laboratory of Diagnostic Genome Analysis, Leiden University Medical Center (LUMC)
Classification: Likely benign. Review status: no assertion criteria provided. Collection method: clinical testing. Allele origin: germline. Affected: yes. Study: VKGL Data-share Consensus. Not counted in ClinVar's aggregate classification.

Literature cited by the submitters: PubMed 24633898 (cited by Athena Diagnostics and Mayo Clinic Laboratories, Mayo Clinic); PubMed 21280141 (cited by Athena Diagnostics); PubMed 30459467 (cited by Mayo Clinic Laboratories, Mayo Clinic); PubMed 30476936 (cited by Mayo Clinic Laboratories, Mayo Clinic); PubMed 24728327 (cited by ITMI).